The following is an entry in ClinVar:

ClinVar aggregate classification (germline): Benign/Likely benign. Review status: criteria provided, multiple submitters, no conflicts (2 of 4 stars). 4 submissions from 4 submitters: Benign (1); Likely benign (3). Last evaluated 2026-01-04.

Conditions:
PGM1-congenital disorder of glycosylation. Also called: Congenital disorder of glycosylation type 1t; PHOSPHOGLUCOMUTASE 1 DEFICIENCY; PGM1 DEFICIENCY; GLYCOGEN STORAGE DISEASE XIV; GSD XIV; CDG It. Identifiers: Orphanet 319646, MedGen C2752015, MONDO:0013968, OMIM 614921.

Allele frequency attached by ClinVar (database versions not stated): gnomAD exomes 0.00045; ExAC 0.00053; 1000 Genomes Project 0.00140; 1000 Genomes Project 30x 0.00141; gnomAD 0.00185 and 0.00193; TOPMed 0.00194; ESP Exome Variant Server 0.00208.
gnomAD v4.1: 581 of 1,613,796 alleles (0.036%); highest among the groups gnomAD compares: African/African-American, 0.67%; 5 homozygotes.

Submissions (4):

Labcorp Genetics (formerly Invitae), Labcorp
Classification: Benign for PGM1-congenital disorder of glycosylation. Last evaluated: 2026-01-04. Review status: criteria provided, single submitter. Criteria: Invitae Variant Classification Sherloc (09022015). Collection method: clinical testing. Allele origin: germline.

Blueprint Genetics
Classification: Likely benign. Last evaluated: 2024-11-25. Review status: criteria provided, single submitter. Criteria: ACMG Guidelines, 2015. Collection method: clinical testing. Allele origin: germline.

CeGaT Center for Human Genetics Tuebingen
Classification: Likely benign. Last evaluated: 2023-03-01. Review status: criteria provided, single submitter. Criteria: CeGaT Center For Human Genetics Tuebingen Variant Classification Criteria Version 2. Collection method: clinical testing. Allele origin: germline. Affected: yes. Observed: 2 variant alleles.
Comment: PGM1: BP4, BP7

GeneDx
Classification: Likely benign. Last evaluated: 2019-11-07. Review status: criteria provided, single submitter. Criteria: GeneDx Variant Classification Process June 2021. Collection method: clinical testing. Allele origin: germline. Affected: yes.

NM_002633.3(PGM1):c.18A>G (p.Thr6=)

Genes: PGM1 (phosphoglucomutase 1; plus strand), LOC129930668 (ATAC-STARR-seq lymphoblastoid active region 1127; plus strand). Cytogenetic location: 1p31.3.
Variant type: single nucleotide variant.
Coding change: c.18A>G on transcript NM_002633.3 (MANE Select); coding-DNA position 18, A replaced by G.
Protein change: p.Thr6=; no amino-acid change (threonine 6 retained).
Molecular consequence: synonymous variant.
Genome position (GRCh38, 1-based): chr1:63,593,506, A>G. VCF-style: chr1-63593506-A-G. GRCh37 (hg19) VCF-style: chr1-64059177-A-G.
Identifiers: ClinVar variation 384571 (VCV000384571.76), dbSNP rs111246749, ClinGen allele CA889335.